The following is an entry in ClinVar:

NM_001199753.2(CPT1C):c.111C>T (p.Arg37=)

Gene: CPT1C (carnitine palmitoyltransferase 1C; plus strand). Cytogenetic location: 19q13.33.
Variant type: single nucleotide variant.
Coding change: c.111C>T on transcript NM_001199753.2 (MANE Select); coding-DNA position 111, C replaced by T.
Protein change: p.Arg37=; no amino-acid change (arginine 37 retained).
Molecular consequence: synonymous variant. On other transcripts: non-coding transcript variant (1).
Genome position (GRCh38, 1-based): chr19:49,692,363, C>T. VCF-style: chr19-49692363-C-T. GRCh37 (hg19) VCF-style: chr19-50195620-C-T.
Other names: c.111C>T, p.Arg37= (NM_001136052.3, NM_001199752.3, NM_001378482.1 and 7 more transcripts); c.111C>T (NM_001136052.2).
Identifiers: ClinVar variation 2863527 (VCV002863527.4), dbSNP rs774808951, ClinGen allele CA9581673.
Genomic context (GRCh38, chr19:49,692,363, plus strand): 5'-CGGGGCTGAAGTGGAACTCAGTGCCCCTGTGCTGCAGGAGATCTACCTCTCTGGCCTGCG[C>T]TCCTGGAAAAGGCATCTCTCACGTTTCTGGGTGAGGAGCGGTGCTGGTCGGTTTCCTTCC-3'
Protein context (NP_001186682.1, residues 27-47): VLQEIYLSGL[Arg37=]SWKRHLSRFW

ClinVar aggregate classification (germline): Likely benign. Review status: criteria provided, multiple submitters, no conflicts (2 of 4 stars). 2 submissions from 2 submitters: Likely benign (2). Last evaluated 2026-05-05.

Conditions:
Hereditary spastic paraplegia 73. Also called: Spastic paraplegia 73, autosomal dominant. Identifiers: Orphanet 444099, MedGen C5568981, MONDO:0014568, OMIM 616282.
CPT1C-related disorder. Also called: CPT1C-related condition.

gnomAD v4.1: 31 of 1,614,024 alleles (0.0019%); highest among the groups gnomAD compares: Non-Finnish European, 0.0025%; no homozygotes.

Submissions (2):

PreventionGenetics, part of Exact Sciences
Classification: Likely benign for CPT1C-related condition. Last evaluated: 2026-05-05. Review status: criteria provided, single submitter. Criteria: ACMG Guidelines, 2015. Collection method: clinical testing. Allele origin: germline.
Comment: This variant is classified as likely benign based on ACMG/AMP sequence variant interpretation guidelines (Richards et al. 2015 PMID: 25741868, with internal and published modifications).

Labcorp Genetics (formerly Invitae), Labcorp
Classification: Likely benign for Hereditary spastic paraplegia 73. Last evaluated: 2024-01-29. Review status: criteria provided, single submitter. Criteria: Invitae Variant Classification Sherloc (09022015). Collection method: clinical testing. Allele origin: germline.